The following is an entry in ClinVar:

ClinVar aggregate classification (germline): Uncertain significance (1 of 4 stars; one submission).

Conditions:
Dilated cardiomyopathy 1R (CMD1R). Identifiers: Orphanet 154, Orphanet 54260, MedGen C3150681, MONDO:0013261, OMIM 613424.
Atrial septal defect 5 (ASD5). Identifiers: Orphanet 1478, MedGen C2748552, MONDO:0013011, OMIM 612794.
Hypertrophic cardiomyopathy 11. Also called: ACTC1-Related Familial Hypertrophic Cardiomyopathy. Identifiers: MedGen C2677506, MONDO:0012799, OMIM 612098.

Submission:

Labcorp Genetics (formerly Invitae), Labcorp
Classification: Uncertain significance for Dilated cardiomyopathy 1R; Hypertrophic cardiomyopathy 11; Atrial septal defect 5. Last evaluated: 2024-10-18. Review status: criteria provided, single submitter. Criteria: Invitae Variant Classification Sherloc (09022015). Collection method: clinical testing. Allele origin: germline.
Comment: This sequence change replaces valine, which is neutral and non-polar, with isoleucine, which is neutral and non-polar, at codon 161 of the ACTC1 protein (p.Val161Ile). This variant is not present in population databases (gnomAD no frequency). This variant has not been reported in the literature in individuals affected with ACTC1-related conditions. ClinVar contains an entry for this variant (Variation ID: 2116722). Invitae Evidence Modeling of protein sequence and biophysical properties (such as structural, functional, and spatial information, amino acid conservation, physicochemical variation, residue mobility, and thermodynamic stability) indicates that this missense variant is not expected to disrupt ACTC1 protein function with a negative predictive value of 80%. In summary, the available evidence is currently insufficient to determine the role of this variant in disease. Therefore, it has been classified as a Variant of Uncertain Significance.

NM_005159.5(ACTC1):c.481G>A (p.Val161Ile)

Genes: GJD2-DT (GJD2 divergent transcript; plus strand), ACTC1 (actin alpha cardiac muscle 1; minus strand). Cytogenetic location: 15q14.
Variant type: single nucleotide variant.
Coding change: c.481G>A on transcript NM_005159.5 (MANE Select); coding-DNA position 481, G replaced by A.
Protein change: p.Val161Ile; replaces valine 161 with isoleucine.
Molecular consequence: missense variant.
Genome position (GRCh38, 1-based): chr15:34,792,543, C>T on the plus strand (G>A on the coding strand, the complement: ACTC1 is on the minus strand). VCF-style: chr15-34792543-C-T. GRCh37 (hg19) VCF-style: chr15-35084744-C-T.
Other names: c.481G>A, p.Val161Ile (NM_001406482.1, NM_001406483.1); c.346G>A, p.Val116Ile (NM_001406484.1); c.40G>A, p.Val14Ile (NM_001406485.1); short protein forms V14I, V161I, V116I.
Identifiers: ClinVar variation 2116722 (VCV002116722.4), dbSNP rs2504181180, ClinGen allele CA391631136.
Genomic context (GRCh38, chr15:34,792,543, plus strand): 5'-CCAGACGCATGATGGCATGGGGCAAAGCGTAGCCCTCATAGATGGGGACATTGTGAGTTA[C>T]ACCATCCCCAGAGTCCAGAACAATGCCTGCCCGGGGAAGTAGACAAGAACAAGGTAAATT-3'
Protein context (NP_005150.1, residues 151-171): TGIVLDSGDG[Val161Ile]THNVPIYEGY